The following is an entry in ClinVar:

ClinVar aggregate classification (germline): Pathogenic (1 of 4 stars; one submission).

Conditions:
Cerebral cavernous malformation (CCM). Also called: Cavernous Hemangioma of Brain; Cerebral cavernous hemangioma (type); Cerebral cavernous malformations; CAVERNOUS ANGIOMA, FAMILIAL; CAVERNOUS ANGIOMATOUS MALFORMATIONS; CEREBRAL CAPILLARY MALFORMATIONS. Identifiers: Orphanet 221061, MedGen C2919945, MONDO:0000820, OMIM 116860, HP:0033522.

Submission:

Seattle Children's Hospital Molecular Genetics Laboratory, Seattle Children's Hospital
Classification: Pathogenic for Cerebral cavernous malformation. Review status: criteria provided, single submitter. Criteria: ACMG Guidelines, 2015. Collection method: clinical testing. Allele origin: germline. Inheritance: Autosomal dominant inheritance. Affected: yes.
Comment: The CCM2 p.Leu49Phefs*11 variant causes a translational frameshift and is expected to cause a loss of protein function. The first amino acid altered is at position 49 of the protein, in which leucine is replaced by phenylalanine, and there is a premature termination codon 11 amino acids downstream of this alteration. This is a novel genetic variant that has not been reported in the medical literature or patient databases. This variant has also not been observed in presumably healthy controls in the Genome Aggregation Database (0 of approx. 250,000 alleles; v2.1). While this variant appears to be novel, CCM2 haploinsufficiency is a well-established mechanism of disease.

NM_031443.4(CCM2):c.147del (p.Leu49fs)

Gene: CCM2 (CCM2 scaffold protein; plus strand). Cytogenetic location: 7p13.
Variant type: Deletion.
Coding change: c.147del on transcript NM_031443.4 (MANE Select); coding-DNA position 147, one base deleted (G; older notation c.147delG).
Protein change: p.Leu49fs; shifts the reading frame from leucine 49.
Molecular consequence: frameshift variant. On other transcripts: non-coding transcript variant (1), intron variant (2).
Genome position (GRCh38, 1-based): chr7:45,038,369, G deleted. VCF-style (leftmost placement, unchanged base first): chr7-45038368-TG-T. GRCh37 (hg19) VCF-style: chr7-45077967-TG-T.
Other names: c.210del, p.Leu70fs (NM_001029835.2); c.147del, p.Leu49fs (NM_001167935.2, NM_001363458.2); c.31-25549del (NM_001363459.2, NM_001167934.2); short protein forms L49fs, L70fs.
Identifiers: ClinVar variation 1344507 (VCV001344507.1), dbSNP rs2128729172, ClinGen allele CA2573052887.